The following is an entry in ClinVar:

NM_000238.4(KCNH2):c.2843G>A (p.Arg948His)

Gene: KCNH2 (potassium voltage-gated channel subfamily H member 2; minus strand). Cytogenetic location: 7q36.1.
Variant type: single nucleotide variant.
Coding change: c.2843G>A on transcript NM_000238.4 (MANE Select); coding-DNA position 2843, G replaced by A.
Protein change: p.Arg948His; replaces arginine 948 with histidine.
Molecular consequence: missense variant.
Genome position (GRCh38, 1-based): chr7:150,947,728, C>T on the plus strand (G>A on the coding strand, the complement: KCNH2 is on the minus strand). VCF-style: chr7-150947728-C-T. GRCh37 (hg19) VCF-style: chr7-150644816-C-T.
Other names: p.R948H:CGC>CAC; c.2843G>A (LRG_288t1); c.2555G>A, p.Arg852His (NM_001406753.1); c.1823G>A, p.Arg608His (NM_172057.3); short protein forms R608H, R948H, R852H.
Identifiers: ClinVar variation 67443 (VCV000067443.50), dbSNP rs199473011, ClinGen allele CA007504.

ClinVar aggregate classification (germline): Conflicting classifications of pathogenicity. Review status: criteria provided, conflicting classifications (1 of 4 stars). 12 submissions from 12 submitters: Pathogenic (1); Likely pathogenic (2); Uncertain significance (8). 1 of the submissions does not count toward it. Last evaluated 2026-05-21.

Conditions:
Cardiac arrhythmia. Also called: Cardiac rhythm disease; Arrhythmia. Identifiers: MedGen C0003811, MONDO:0007263, HP:0011675.
Cardiovascular phenotype. Identifiers: MedGen CN230736.
Familial long QT syndrome (RWS). Also called: Romano-Ward syndrome; VENTRICULAR FIBRILLATION WITH PROLONGED QT INTERVAL; Congenital long QT syndrome. Identifiers: Orphanet 768, MedGen C1141890, MONDO:0019171.
Long QT syndrome (LQTS). Identifiers: MedGen C0023976, MeSH D008133, MONDO:0002442. Disease mechanism: loss of function. Inheritance: Various modes of inheritance.
Long QT syndrome 2 (LQT2). Identifiers: Orphanet 101016, Orphanet 768, MedGen C3150943, MONDO:0013367, OMIM 613688.

Allele frequency attached by ClinVar (database versions not stated): gnomAD 0.00003; gnomAD exomes 0.00004; TOPMed 0.00002; ExAC 0.00012.
gnomAD v4.1: 35 of 1,564,888 alleles (0.0022%); highest among the groups gnomAD compares: Admixed American, 0.019%; no homozygotes.

Submissions (12):

Ambry Genetics
Classification: Uncertain significance for Cardiovascular phenotype. Last evaluated: 2026-05-21. Review status: criteria provided, single submitter. Criteria: Ambry Variant Classification Scheme 2023. Collection method: clinical testing. Allele origin: germline.
Comment: The p.R948H variant (also known as c.2843G>A), located in coding exon 12 of the KCNH2 gene, results from a G to A substitution at nucleotide position 2843. The arginine at codon 948 is replaced by histidine, an amino acid with highly similar properties. This variant was reported in individual(s) with features consistent with long QT syndrome (Itoh H et al. Eur J Hum Genet, 2016 Aug;24:1160-6; Pottinger TD et al. J Am Heart Assoc, 2020 Feb;9:e013808). This amino acid position is not well conserved in available vertebrate species. In addition, the in silico prediction for this alteration is inconclusive. Based on the available evidence, the clinical significance of this variant remains unclear.

Labcorp Genetics (formerly Invitae), Labcorp
Classification: Uncertain significance for Long QT syndrome. Last evaluated: 2025-12-27. Review status: criteria provided, single submitter. Criteria: Invitae Variant Classification Sherloc (09022015). Collection method: clinical testing. Allele origin: germline.
Comment: This sequence change replaces arginine, which is basic and polar, with histidine, which is basic and polar, at codon 948 of the KCNH2 protein (p.Arg948His). This variant is present in population databases (rs199473011, gnomAD 0.02%). This missense change has been observed in individual(s) with prolonged QT (PMID: 20541041, 32009526, 34319147, 36861347). ClinVar contains an entry for this variant (Variation ID: 67443). An algorithm developed to predict the effect of missense changes on protein structure and function outputs the following: PolyPhen-2: "Benign". The histidine amino acid residue is found in multiple mammalian species, which suggests that this missense change does not adversely affect protein function. In summary, the available evidence is currently insufficient to determine the role of this variant in disease. Therefore, it has been classified as a Variant of Uncertain Significance.

Color Diagnostics, LLC DBA Color Health
Classification: Uncertain significance for Cardiac arrhythmia. Last evaluated: 2024-09-09. Review status: criteria provided, single submitter. Criteria: ACMG Guidelines, 2015. Collection method: clinical testing. Allele origin: germline.
Comment: This missense variant replaces arginine with histidine at codon 948 of the KCNH2 protein. Computational prediction tools indicate that this variant's impact on protein structure and function is inconclusive. To our knowledge, functional studies have not been reported for this variant. This variant has been reported in five individuals affected with long QT syndrome (PMID: 20541041, 26669661, 34319147, ClinVar SCV000680268.1) and in an individual with prolonged QTc interval (PMID: 32009526). This variant has been identified in 8/197252 chromosomes in the general population by the Genome Aggregation Database (gnomAD). The available evidence is insufficient to determine the role of this variant in disease conclusively. Therefore, this variant is classified as a Variant of Uncertain Significance.

All of Us Research Program, National Institutes of Health
Classification: Uncertain significance for Long QT syndrome. Last evaluated: 2024-08-30. Review status: criteria provided, single submitter. Criteria: ACMG Guidelines, 2015. Collection method: clinical testing. Allele origin: germline. Inheritance: Autosomal dominant inheritance. Observed: 6 variant alleles, 6 heterozygotes.
Comment: This missense variant replaces arginine with histidine at codon 948 of the KCNH2 protein. Computational prediction tools and conservation analyses are inconclusive regarding the impact of this variant on protein structure and function. Splice site prediction tools suggest that this variant may not impact RNA splicing. To our knowledge, functional studies have not been performed for this variant. This variant has been reported in individuals affected with long QT syndrome (PMID: 20541041, 26669661) and in an individual with prolonged QTc interval (Pottinger et. al, 2019). This variant has also been identified in 8/197252 chromosomes in the general population by the Genome Aggregation Database (gnomAD). The available evidence is insufficient to determine the role of this variant in disease conclusively. Therefore, this variant is classified as a Variant of Uncertain Significance.

This study involves interpretation of variants in research participants for the purpose of population health screening. Participant phenotype was not available at the time of variant classification. Additional details can be found in publication PMID: 35346344, PMCID: PMC8962531

Revvity Omics, Revvity
Classification: Uncertain significance. Last evaluated: 2024-03-08. Review status: criteria provided, single submitter. Criteria: ACMG Guidelines, 2015. Collection method: clinical testing. Allele origin: germline.

CeGaT Center for Human Genetics Tuebingen
Classification: Uncertain significance. Last evaluated: 2023-09-01. Review status: criteria provided, single submitter. Criteria: CeGaT Center For Human Genetics Tuebingen Variant Classification Criteria Version 2. Collection method: clinical testing. Allele origin: germline. Affected: yes. Observed: 2 variant alleles.
Comment: KCNH2: PS4:Moderate, PP2

Women's Health and Genetics/Laboratory Corporation of America, LabCorp
Classification: Uncertain significance. Last evaluated: 2021-03-18. Review status: criteria provided, single submitter. Criteria: LabCorp Variant Classification Summary - May 2015. Collection method: clinical testing. Allele origin: germline.
Comment: Variant summary: KCNH2 c.2843G>A (p.Arg948His) results in a non-conservative amino acid change in the encoded protein sequence. Three of five in-silico tools predict a damaging effect of the variant on protein function. The variant allele was found at a frequency of 3.6e-05 in 165946 control chromosomes (gnomAD). The available data on variant occurrences in the general population are insufficient to allow any conclusion about variant significance. c.2843G>A has been reported in the literature in individuals/families affected with Long QT Syndrome (e.g. Itoh_2010, Itoh_2016, Pottinger_2020), without strong evidence for causality. These reports do not provide unequivocal conclusions about association of the variant with Long QT Syndrome. To our knowledge, no experimental evidence demonstrating an impact on protein function has been reported. Three ClinVar submitters (evaluation after 2014) cite the variant as uncertain significance and one ClinVar submitter (evaluation after 2014) cites it as likely pathogenic. Based on the evidence outlined above, the variant was classified as uncertain significance.

Mendelics
Classification: Uncertain significance for Long QT syndrome 2. Last evaluated: 2019-05-28. Review status: criteria provided, single submitter. Criteria: Mendelics Assertion Criteria 2017. Collection method: clinical testing. Allele origin: unknown.

Institute of Human Genetics Munich, TUM University Hospital
Classification: Likely pathogenic for Long QT syndrome 2. Last evaluated: 2017-12-09. Review status: criteria provided, single submitter. Criteria: Classification criteria August 2017. Collection method: clinical testing. Allele origin: germline. Inheritance: Autosomal dominant inheritance. Affected: yes. Observed: 1 heterozygote.

GeneDx
Classification: Pathogenic. Last evaluated: 2011-10-18. Review status: criteria provided, single submitter. Criteria: GeneDx Variant Classification (06012015). Collection method: clinical testing. Allele origin: germline. Affected: yes.
Comment: Other amino acid substitutions affecting the same codon (Arg948Ser, Arg948Cys) and nearby codons (Ser937Asn, Leu955Val) have also been reported in association with LQTS, further supporting the functional importance of this position and this region of the protein. In addition, Arg948His was not detected in 308 control alleles from individuals of various ethnic backgrounds tested at GeneDx, indicating it is not a common benign variant in these populations. In summary, the presence of Arg948His in the KCNH2 gene is consistent with a diagnosis of LQTS. The variant is found in LQT panel(s).

Lifecell International Pvt. Ltd
Classification: Likely pathogenic for Long QT syndrome 2. Review status: criteria provided, single submitter. Criteria: ACMG Guidelines, 2015. Collection method: clinical testing. Allele origin: germline. Inheritance: Autosomal dominant inheritance. Affected: yes. Observed: 1 heterozygote.
Comment: A Heterozygous Missense variant c.2843G>A in Exon 12 of the KCNH2 gene that results in the amino acid substitution p.Arg948His was identified. The observed variant has a maximum allele frequency of 0.00004/0.00006% in gnomAD exomes and genomes, respectively. The severity of the impact of this variant on the protein is medium, based on the effect of the protein and REVEL score . Rare Exome Variant Ensemble Learner (REVEL) is an ensembl method for predicting the pathogenicity of missense variants based on a combination of scores from 13 individual tools: MutPred, FATHMM v2.3, VEST 3.0, PolyPhen- 2, SIFT, PROVEAN, MutationAssessor, MutationTaster, LRT, GERP++, SiPhy, phyloP, and phastCons. The REVEL score for an individual missense variant can range from 0 to 1, with higher scores reflecting greater likelihood that the variant is disease-causing. ClinVar has also classified this variant as (Pathogenic/Likely pathogenic/Uncertain significance) Conflicting Interpretations [Variation ID: 67443]. The observed variation has been previously reported in patients affected with long QT syndrome (Itoh H et.al., 2016). For these reasons, this variant has been classified as Likely Pathogenic.

Cardiovascular Biomedical Research Unit, Royal Brompton & Harefield NHS Foundation Trust
No classification provided. Condition: Familial long QT syndrome. Review status: no classification provided. Collection method: literature only. Allele origin: germline. Not counted in ClinVar's aggregate classification.
Comment: This variant has been reported as associated with Long QT syndrome in the following publications (PMID:20541041). This is a literature report, and does not necessarily reflect the clinical interpretation of the Imperial College / Royal Brompton Cardiovascular Genetics laboratory.

Literature cited by the submitters: PubMed 20541041 (cited by 6 submitters); PubMed 26669661 (cited by 5 submitters); PubMed 28589536 (cited by Ambry Genetics); PubMed 32009526 (cited by 4 submitters); PubMed 34319147 (cited by Labcorp Genetics (formerly Invitae), Labcorp and Color Diagnostics, LLC DBA Color Health); PubMed 36861347 (cited by Labcorp Genetics (formerly Invitae), Labcorp); PubMed 31589614 (cited by Women's Health and Genetics/Laboratory Corporation of America, LabCorp); PubMed 22581653 (cited by Cardiovascular Biomedical Research Unit, Royal Brompton & Harefield NHS Foundation Trust).